The following is an entry in ClinVar:

ClinVar aggregate classification (germline): Uncertain significance (1 of 4 stars; one submission).

Conditions:
Charcot-Marie-Tooth disease type 2. Also called: Charcot-Marie-Tooth type 2. Identifiers: Orphanet 64746, MedGen C0270914, MONDO:0018993.

Submission:

Labcorp Genetics (formerly Invitae), Labcorp
Classification: Uncertain significance for Charcot-Marie-Tooth disease type 2. Last evaluated: 2024-08-30. Review status: criteria provided, single submitter. Criteria: Invitae Variant Classification Sherloc (09022015). Collection method: clinical testing. Allele origin: germline.
Comment: This sequence change replaces glutamic acid, which is acidic and polar, with alanine, which is neutral and non-polar, at codon 1648 of the KIF1B protein (p.Glu1648Ala). This variant is not present in population databases (gnomAD no frequency). This variant has not been reported in the literature in individuals affected with KIF1B-related conditions. An algorithm developed to predict the effect of missense changes on protein structure and function (PolyPhen-2) suggests that this variant is likely to be disruptive. In summary, the available evidence is currently insufficient to determine the role of this variant in disease. Therefore, it has been classified as a Variant of Uncertain Significance.

NM_001365951.3(KIF1B):c.5081A>C (p.Glu1694Ala)

Gene: KIF1B (kinesin family member 1B; plus strand). Cytogenetic location: 1p36.22.
Variant type: single nucleotide variant.
Coding change: c.5081A>C on transcript NM_001365951.3 (MANE Select); coding-DNA position 5081, A replaced by C.
Protein change: p.Glu1694Ala; replaces glutamic acid 1694 with alanine.
Molecular consequence: missense variant.
Genome position (GRCh38, 1-based): chr1:10,374,450, A>C. VCF-style: chr1-10374450-A-C. GRCh37 (hg19) VCF-style: chr1-10434508-A-C.
Other names: c.5081A>C, p.Glu1694Ala (NM_001365952.1); c.4943A>C, p.Glu1648Ala (NM_015074.3); short protein forms E1648A, E1694A.
Identifiers: ClinVar variation 3608312 (VCV003608312.2).
Genomic context (GRCh38, chr1:10,374,450, plus strand): 5'-AAACACCATATTTGGCCCGAGCAGGAAAAAACGAATTTCTCAATCTTGTTCCAGATATTG[A>C]AGAAATTAGACCAAGGTGAGTACTATATTGAGCAGGAATGCCAGCTATAAAAAACAAATC-3'
Protein context (NP_001352880.1, residues 1684-1704): NEFLNLVPDI[Glu1694Ala]EIRPSSVVSK